The following is an entry in ClinVar:

ClinVar aggregate classification (germline): Uncertain significance (1 of 4 stars; one submission).

Submission:

Labcorp Genetics (formerly Invitae), Labcorp
Classification: Uncertain significance. Last evaluated: 2022-08-15. Review status: criteria provided, single submitter. Criteria: Invitae Variant Classification Sherloc (09022015). Collection method: clinical testing. Allele origin: germline.
Comment: In summary, the available evidence is currently insufficient to determine the role of this variant in disease. Therefore, it has been classified as a Variant of Uncertain Significance. Algorithms developed to predict the effect of missense changes on protein structure and function (SIFT, PolyPhen-2, Align-GVGD) all suggest that this variant is likely to be disruptive. ClinVar contains an entry for this variant (Variation ID: 1022131). This variant has not been reported in the literature in individuals affected with RBP3-related conditions. This variant is not present in population databases (gnomAD no frequency). This sequence change replaces glutamic acid, which is acidic and polar, with glutamine, which is neutral and polar, at codon 257 of the RBP3 protein (p.Glu257Gln).

NM_002900.3(RBP3):c.769G>C (p.Glu257Gln)

Gene: RBP3 (retinol binding protein 3; plus strand). Cytogenetic location: 10q11.22.
Variant type: single nucleotide variant.
Coding change: c.769G>C on transcript NM_002900.3 (MANE Select); coding-DNA position 769, G replaced by C.
Protein change: p.Glu257Gln; replaces glutamic acid 257 with glutamine.
Molecular consequence: missense variant.
Genome position (GRCh38, 1-based): chr10:47,349,253, G>C. VCF-style: chr10-47349253-G-C. GRCh37 (hg19) VCF-style: chr10-48390109-C-G.
Other names: short protein forms E257Q.
Identifiers: ClinVar variation 1022131 (VCV001022131.7), dbSNP rs782766646, ClinGen allele CA206460766.